The following is an entry in ClinVar:

NM_000535.7(PMS2):c.710_718delinsT (p.Gln237fs)

Gene: PMS2 (PMS1 homolog 2, mismatch repair system component; minus strand). Cytogenetic location: 7p22.1.
Variant type: Indel.
Coding change: c.710_718delinsT on transcript NM_000535.7 (MANE Select); coding-DNA positions 710 to 718, AAAGCCTCA replaced by T.
Protein change: p.Gln237fs; shifts the reading frame from glutamine 237.
Molecular consequence: frameshift variant. On other transcripts: non-coding transcript variant (1), 5 prime UTR variant (2).
Genome position (GRCh38, 1-based): chr7:5,997,411-5,997,419, TGAGGCTTT replaced by A on the plus strand (AAAGCCTCA replaced by T on the coding strand, the reverse complement: PMS2 is on the minus strand). VCF-style: chr7-5997411-TGAGGCTTT-A. GRCh37 (hg19) VCF-style: chr7-6037042-TGAGGCTTT-A.
Other names: c.137_145delAAAGCCTCAinsT, p.Gln46Leufs (NM_001406909.1); c.305_313delAAAGCCTCAinsT, p.Gln102Leufs (NM_001406910.1, NM_001018040.1, NM_001406887.1 and 15 more transcripts); c.710_718delAAAGCCTCAinsT, p.Gln237Leufs (NM_001406912.1, NM_001406870.1, NM_001406871.1 and 1 more transcripts); c.305_313delinsT, p.Gln102fs (NM_001322003.2, NM_001322004.2, NM_001322005.2 and 2 more transcripts); c.710_718delinsT, p.Gln237fs (NM_001322006.2, NM_001322014.2); c.392_400delinsT, p.Gln131fs (NM_001322007.2, NM_001322008.2); c.-224_-216delinsT (NM_001322011.2, NM_001322012.2); c.137_145delinsT, p.Gln46fs (NM_001322013.2); and 9 more; short protein forms Q102fs, Q237fs, Q134fs, Q131fs, Q46fs.
Identifiers: ClinVar variation 1757186 (VCV001757186.2), dbSNP rs2536231064, ClinGen allele CA2580076867.

ClinVar aggregate classification (germline): Pathogenic (1 of 4 stars; one submission).

Conditions:
Hereditary cancer-predisposing syndrome. Also called: Neoplastic Syndromes, Hereditary; Tumor predisposition; Hereditary Cancer Syndrome; Hereditary neoplastic syndrome. Identifiers: Orphanet 140162, MedGen C0027672, MeSH D009386, MONDO:0015356.

Submission:

Ambry Genetics
Classification: Pathogenic for Hereditary cancer-predisposing syndrome. Last evaluated: 2022-04-25. Review status: criteria provided, single submitter. Criteria: Ambry Variant Classification Scheme 2023. Collection method: clinical testing. Allele origin: germline.
Comment: The c.710_718delAAAGCCTCAinsT pathogenic mutation, located in coding exon 7 of the PMS2 gene, results from the deletion of 9 nucleotides and insertion of one nucleotide causing a translational frameshift with a predicted alternate stop codon (p.Q237Lfs*9). This alteration is expected to result in loss of function by premature protein truncation or nonsense-mediated mRNA decay. As such, this alteration is interpreted as a disease-causing mutation.